The following is an entry in ClinVar:

ClinVar aggregate classification (germline): Benign/Likely benign. Review status: criteria provided, multiple submitters, no conflicts (2 of 4 stars). 2 submissions from 2 submitters: Benign (1); Likely benign (1). Last evaluated 2026-01-13.

Conditions:
Kabuki syndrome 2 (KABUK2). Also called: KDM6A-Related Kabuki Syndrome. Identifiers: Orphanet 2322, MedGen C3275495, MONDO:0010465, OMIM 300867.

Allele frequency attached by ClinVar (database versions not stated): TOPMed 0.00020; 1000 Genomes Project 30x 0.00021; gnomAD 0.00021 and 0.00018; 1000 Genomes Project 0.00026; ESP Exome Variant Server 0.00057; gnomAD exomes 0.00005; ExAC 0.00012.
gnomAD v4.1: 56 of 1,209,649 alleles (0.0046%); highest among the groups gnomAD compares: African/African-American, 0.073%; no homozygotes.

Submissions (2):

Labcorp Genetics (formerly Invitae), Labcorp
Classification: Benign for Kabuki syndrome 2. Last evaluated: 2026-01-13. Review status: criteria provided, single submitter. Criteria: Invitae Variant Classification Sherloc (09022015). Collection method: clinical testing. Allele origin: germline.

CeGaT Center for Human Genetics Tuebingen
Classification: Likely benign. Last evaluated: 2022-06-01. Review status: criteria provided, single submitter. Criteria: CeGaT Center For Human Genetics Tuebingen Variant Classification Criteria Version 2. Collection method: clinical testing. Allele origin: germline. Affected: yes. Observed: 1 variant allele.
Comment: KDM6A: BP4, BS2

NM_001291415.2(KDM6A):c.1284C>T (p.Pro428=)

Gene: KDM6A (lysine demethylase 6A; plus strand). Cytogenetic location: Xp11.3.
Variant type: single nucleotide variant.
Coding change: c.1284C>T on transcript NM_001291415.2 (MANE Select); coding-DNA position 1284, C replaced by T.
Protein change: p.Pro428=; no amino-acid change (proline 428 retained).
Molecular consequence: synonymous variant. On other transcripts: intron variant (4).
Genome position (GRCh38, 1-based): chrX:45,060,111, C>T. VCF-style: chrX-45060111-C-T. GRCh37 (hg19) VCF-style: chrX-44919356-C-T.
Other names: c.1284C>T, p.Pro428= (NM_021140.4); c.1195-498C>T (NM_001291416.2); c.1194+645C>T (NM_001291417.2, NM_001291418.2); c.441+645C>T (NM_001291421.2).
Identifiers: ClinVar variation 712879 (VCV000712879.31), dbSNP rs147633358, ClinGen allele CA10392336.